The following is an entry in ClinVar:

NM_001330700.2(TOP2B):c.3674T>A (p.Val1225Glu)

Gene: TOP2B (DNA topoisomerase II beta; minus strand). Cytogenetic location: 3p24.2.
Variant type: single nucleotide variant.
Coding change: c.3674T>A on transcript NM_001330700.2 (MANE Select); coding-DNA position 3674, T replaced by A.
Protein change: p.Val1225Glu; replaces valine 1225 with glutamic acid.
Molecular consequence: missense variant.
Genome position (GRCh38, 1-based): chr3:25,612,627, A>T on the plus strand (T>A on the coding strand, the complement: TOP2B is on the minus strand). VCF-style: chr3-25612627-A-T. GRCh37 (hg19) VCF-style: chr3-25654118-A-T.
Other names: c.3659T>A, p.Val1220Glu (NM_001068.3); short protein forms V1220E, V1225E.
Identifiers: ClinVar variation 3692655 (VCV003692655.2).

ClinVar aggregate classification (germline): Uncertain significance (1 of 4 stars; one submission).

Submission:

Labcorp Genetics (formerly Invitae), Labcorp
Classification: Uncertain significance. Last evaluated: 2024-02-20. Review status: criteria provided, single submitter. Criteria: Invitae Variant Classification Sherloc (09022015). Collection method: clinical testing. Allele origin: germline.
Comment: This sequence change replaces valine, which is neutral and non-polar, with glutamic acid, which is acidic and polar, at codon 1220 of the TOP2B protein (p.Val1220Glu). This variant is not present in population databases (gnomAD no frequency). This variant has not been reported in the literature in individuals affected with TOP2B-related conditions. An algorithm developed to predict the effect of missense changes on protein structure and function (PolyPhen-2) suggests that this variant is likely to be tolerated. In summary, the available evidence is currently insufficient to determine the role of this variant in disease. Therefore, it has been classified as a Variant of Uncertain Significance.